The following is an entry in ClinVar:

NM_003482.4(KMT2D):c.13606C>T (p.Arg4536Ter)

Gene: KMT2D (lysine methyltransferase 2D; minus strand). Cytogenetic location: 12q13.12.
Variant type: single nucleotide variant.
Coding change: c.13606C>T on transcript NM_003482.4 (MANE Select); coding-DNA position 13606, C replaced by T.
Protein change: p.Arg4536Ter; replaces arginine 4536 with a stop codon.
Molecular consequence: nonsense.
Genome position (GRCh38, 1-based): chr12:49,030,958, G>A on the plus strand (C>T on the coding strand, the complement: KMT2D is on the minus strand). VCF-style: chr12-49030958-G-A. GRCh37 (hg19) VCF-style: chr12-49424741-G-A.
Other names: short protein forms R4536*.
Identifiers: ClinVar variation 158731 (VCV000158731.19), dbSNP rs587783692, ClinGen allele CA271593.

ClinVar aggregate classification (germline): Pathogenic. Review status: criteria provided, multiple submitters, no conflicts (2 of 4 stars). 6 submissions from 6 submitters: Pathogenic (5). 1 of the submissions does not count toward it. Last evaluated 2025-03-06.

Conditions:
Kabuki syndrome. Also called: Kabuki make-up syndrome; NIIKAWA-KUROKI SYNDROME. Identifiers: Orphanet 2322, MedGen C0796004, MONDO:0016512.
Kabuki syndrome 1 (KABUK1). Also called: KMT2D-Related Kabuki Syndrome. Identifiers: Orphanet 2322, MedGen CN030661, MONDO:0007843, OMIM 147920.

Submissions (6):

GeneDx
Classification: Pathogenic. Last evaluated: 2025-03-06. Review status: criteria provided, single submitter. Criteria: GeneDx Variant Classification Process June 2021. Collection method: clinical testing. Allele origin: germline. Affected: yes.
Comment: Nonsense variant predicted to result in protein truncation or nonsense mediated decay in a gene for which loss of function is a known mechanism of disease; Not observed at significant frequency in large population cohorts (gnomAD); This variant is associated with the following publications: (PMID: 25525159, 32368696, 33084842, 37815018, 28991257, 31941532, 20711175, 27302555, 37810849, 38859884)

Labcorp Genetics (formerly Invitae), Labcorp
Classification: Pathogenic for Kabuki syndrome. Last evaluated: 2022-05-01. Review status: criteria provided, single submitter. Criteria: Invitae Variant Classification Sherloc (09022015). Collection method: clinical testing. Allele origin: germline.
Comment: For these reasons, this variant has been classified as Pathogenic. ClinVar contains an entry for this variant (Variation ID: 158731). This premature translational stop signal has been observed in individual(s) with Kabuki syndrome (PMID: 20711175, 27302555). This variant is not present in population databases (gnomAD no frequency). This sequence change creates a premature translational stop signal (p.Arg4536*) in the KMT2D gene. It is expected to result in an absent or disrupted protein product. Loss-of-function variants in KMT2D are known to be pathogenic (PMID: 22126750).

Center for Human Genetics, Inc
Classification: Pathogenic for Kabuki syndrome 1. Last evaluated: 2016-11-01. Review status: criteria provided, single submitter. Criteria: ACMG Guidelines, 2015. Collection method: clinical testing. Allele origin: germline. Affected: yes.

Eurofins Ntd Llc (ga)
Classification: Pathogenic. Last evaluated: 2015-02-26. Review status: criteria provided, single submitter. Criteria: EGL Classification Definitions 2015. Collection method: clinical testing. Allele origin: germline. Observed: 1 variant allele, 1 heterozygote.

Genetic Services Laboratory, University of Chicago
Classification: Pathogenic for Kabuki syndrome 1. Last evaluated: 2013-02-08. Review status: criteria provided, single submitter. Criteria: ACMG Guidelines, 2007. Collection method: clinical testing. Allele origin: germline. Inheritance: Autosomal dominant inheritance. Affected: yes.

Autoinflammatory diseases unit, CHU de Montpellier
Classification: Pathogenic for Kabuki syndrome 1. Last evaluated: 2014-02-03. Review status: no assertion criteria provided. Collection method: clinical testing. Allele origin: unknown. Affected: yes. Not counted in ClinVar's aggregate classification.

Literature cited by the submitters: PubMed 20711175 (cited by Labcorp Genetics (formerly Invitae), Labcorp and Eurofins Ntd Llc (ga)); PubMed 27302555 (cited by Labcorp Genetics (formerly Invitae), Labcorp); PubMed 22126750 (cited by Labcorp Genetics (formerly Invitae), Labcorp).